The following is an entry in ClinVar:

ClinVar aggregate classification (germline): Uncertain significance. Review status: criteria provided, single submitter (1 of 4 stars). 2 submissions from 2 submitters: Uncertain significance (1). 1 of the submissions does not count toward it. Last evaluated 2024-02-24.

Conditions:
Lipoic acid synthetase deficiency. Also called: HYPERGLYCINEMIA, LACTIC ACIDOSIS, AND SEIZURES. Identifiers: Orphanet 401859, MedGen C3280887, MONDO:0013762, OMIM 614462.

Allele frequency attached by ClinVar (database versions not stated): gnomAD exomes below 0.00001; gnomAD 0.00001; TOPMed 0.00001.
gnomAD v4.1: 3 of 1,613,628 alleles (0.00019%); highest among the groups gnomAD compares: Non-Finnish European, 0.00025%; no homozygotes.

Submissions (2):

Labcorp Genetics (formerly Invitae), Labcorp
Classification: Uncertain significance for Lipoic acid synthetase deficiency. Last evaluated: 2024-02-24. Review status: criteria provided, single submitter. Criteria: Invitae Variant Classification Sherloc (09022015). Collection method: clinical testing. Allele origin: germline.
Comment: This sequence change replaces aspartic acid, which is acidic and polar, with valine, which is neutral and non-polar, at codon 181 of the LIAS protein (p.Asp181Val). This variant is not present in population databases (gnomAD no frequency). This missense change has been observed in individual(s) with clinical features of LIAS-related conditions (PMID: 36680912). In at least one individual the data is consistent with being in trans (on the opposite chromosome) from a pathogenic variant. ClinVar contains an entry for this variant (Variation ID: 206047). Advanced modeling of protein sequence and biophysical properties (such as structural, functional, and spatial information, amino acid conservation, physicochemical variation, residue mobility, and thermodynamic stability) performed at Invitae indicates that this missense variant is expected to disrupt LIAS protein function with a positive predictive value of 80%. Experimental studies have shown that this missense change affects LIAS function (PMID: 36680912). In summary, the available evidence is currently insufficient to determine the role of this variant in disease. Therefore, it has been classified as a Variant of Uncertain Significance.

OMIM
Classification: Pathogenic for HYPERGLYCINEMIA, LACTIC ACIDOSIS, AND SEIZURES. Last evaluated: 2023-04-24. Review status: no assertion criteria provided. Collection method: literature only. Allele origin: germline. Not counted in ClinVar's aggregate classification.

Literature cited by the submitters: PubMed 36680912 (cited by Labcorp Genetics (formerly Invitae), Labcorp and OMIM).

NM_006859.4(LIAS):c.542A>T (p.Asp181Val)

Gene: LIAS (lipoic acid synthetase; plus strand). Cytogenetic location: 4p14.
Variant type: single nucleotide variant.
Coding change: c.542A>T on transcript NM_006859.4 (MANE Select); coding-DNA position 542, A replaced by T.
Protein change: p.Asp181Val; replaces aspartic acid 181 with valine.
Molecular consequence: missense variant. On other transcripts: intron variant (1).
Genome position (GRCh38, 1-based): chr4:39,465,194, A>T. VCF-style: chr4-39465194-A-T. GRCh37 (hg19) VCF-style: chr4-39466814-A-T.
Other names: c.542A>T, p.Asp181Val (NM_001278590.2, NM_194451.3); c.299+1589A>T (NM_001363700.2); short protein forms D181V.
Identifiers: ClinVar variation 206047 (VCV000206047.9), dbSNP rs1553934355, ClinGen allele CA315754.
Genomic context (GRCh38, chr4:39,465,194, plus strand): 5'-ACAATACTGCAAAGGCAATTGCAGAATGGGGTCTGGATTATGTTGTCCTGACATCTGTGG[A>T]TCGAGATGGTTAGTGTGTCATCATGGCCTCTACCAGAAACTGGCTCTAAATGATGACATC-3'
Protein context (NP_006850.2, residues 171-191): GLDYVVLTSV[Asp181Val]RDDMPDGGAE